The following is an entry in ClinVar:

ClinVar aggregate classification (germline): Uncertain significance (1 of 4 stars; one submission).

Submission:

Labcorp Genetics (formerly Invitae), Labcorp
Classification: Uncertain significance. Last evaluated: 2024-11-05. Review status: criteria provided, single submitter. Criteria: Invitae Variant Classification Sherloc (09022015). Collection method: clinical testing. Allele origin: germline.
Comment: This variant, c.54_55delinsAG, is a complex sequence change that results in the deletion of 2 and insertion of 2 amino acid(s) in the GHSR protein (p.Asp18_Leu19delinsGluVal). Information on the frequency of this variant in the gnomAD database is not available, as this variant may be reported differently in the database. This variant has not been reported in the literature in individuals affected with GHSR-related conditions. ClinVar contains an entry for this variant (Variation ID: 2011495). Experimental studies and prediction algorithms are not available or were not evaluated, and the functional significance of this variant is currently unknown. In summary, the available evidence is currently insufficient to determine the role of this variant in disease. Therefore, it has been classified as a Variant of Uncertain Significance.

NM_198407.2(GHSR):c.54_55delinsAG (p.Asp18_Leu19delinsGluVal)

Gene: GHSR (growth hormone secretagogue receptor; minus strand). Cytogenetic location: 3q26.31.
Variant type: Indel.
Coding change: c.54_55delinsAG on transcript NM_198407.2 (MANE Select); coding-DNA positions 54 to 55, CC replaced by AG.
Protein change: p.Asp18_Leu19delinsGluVal.
Molecular consequence: missense variant.
Genome position (GRCh38, 1-based): chr3:172,448,359-172,448,360, GG replaced by CT on the plus strand (CC replaced by AG on the coding strand, the reverse complement: GHSR is on the minus strand). VCF-style: chr3-172448359-GG-CT. GRCh37 (hg19) VCF-style: chr3-172166149-GG-CT.
Other names: c.54_55delinsAG, p.Asp18_Leu19delinsGluVal (NM_004122.2).
Identifiers: ClinVar variation 2011495 (VCV002011495.4), dbSNP rs2473558154, ClinGen allele CA2580069087.
Genomic context (GRCh38, chr3:172,448,359, plus strand): 5'-GGAAGAGCTGCAGCAGCTCGTCGCCCAGCGAGTCGTTGCCGGGGGAAGCATCCCAGTCCA[GG>CT]TCGGCCAGTGTGAGGTTGAACCCCGGCTCTTCGCTGGGCGTCGCGTTCCACATGCTGCCG-3'